The following is an entry in ClinVar:

NM_001267550.2(TTN):c.72757G>T (p.Glu24253Ter)

Genes: TTN (titin; minus strand), TTN-AS1 (TTN antisense RNA 1; plus strand). Cytogenetic location: 2q31.2.
Variant type: single nucleotide variant.
Coding change: c.72757G>T on transcript NM_001267550.2 (MANE Select); coding-DNA position 72757, G replaced by T.
Protein change: p.Glu24253Ter; replaces glutamic acid 24253 with a stop codon.
Molecular consequence: nonsense.
Genome position (GRCh38, 1-based): chr2:178,573,375, C>A on the plus strand (G>T on the coding strand, the complement: TTN is on the minus strand). VCF-style: chr2-178573375-C-A. GRCh37 (hg19) VCF-style: chr2-179438102-C-A.
Other names: c.67834G>T, p.Glu22612Ter (NM_001256850.1); c.45562G>T, p.Glu15188Ter (NM_003319.4); c.65053G>T, p.Glu21685Ter (NM_133378.4); c.45937G>T, p.Glu15313Ter (NM_133432.3); c.46138G>T, p.Glu15380Ter (NM_133437.4); short protein forms E15313*, E21685*, E15188*, E15380*, E24253*, E22612*.
Identifiers: ClinVar variation 4786181 (VCV004786181.1).

ClinVar aggregate classification (germline): Likely pathogenic (1 of 4 stars; one submission).

Conditions:
Autosomal recessive limb-girdle muscular dystrophy type 2J (LGMDR10). Also called: Limb-girdle muscular dystrophy, type 2J; MUSCULAR DYSTROPHY, LIMB-GIRDLE, AUTOSOMAL RECESSIVE 10. Identifiers: Orphanet 140922, MedGen C1837342, MONDO:0012127, OMIM 608807.
Dilated cardiomyopathy 1G (CMD1G). Identifiers: Orphanet 154, MedGen C1858763, MONDO:0011400, OMIM 604145.

Submission:

Labcorp Genetics (formerly Invitae), Labcorp
Classification: Likely pathogenic for Dilated cardiomyopathy 1G; Autosomal recessive limb-girdle muscular dystrophy type 2J. Last evaluated: 2025-09-27. Review status: criteria provided, single submitter. Criteria: Invitae Variant Classification Sherloc (09022015). Collection method: clinical testing. Allele origin: germline.
Comment: This sequence change creates a premature translational stop signal (p.Glu24253*) in the TTN gene. While this is not anticipated to result in nonsense mediated decay, it is expected to create a truncated TTN protein. This variant is not present in population databases (gnomAD no frequency). This variant has not been reported in the literature in individuals affected with TTN-related conditions. This variant is located in the A band of TTN (PMID: 25589632). Truncating variants in this region are significantly overrepresented in patients affected with dilated cardiomyopathy (PMID: 25589632). Truncating variants in this region have also been reported in individuals affected with autosomal recessive centronuclear myopathy (PMID: 23975875). In summary, the currently available evidence indicates that the variant is pathogenic, but additional data are needed to prove that conclusively. Therefore, this variant has been classified as Likely Pathogenic.

Literature cited by the submitters: PubMed 25589632; PubMed 23975875.